The following is an entry in ClinVar:

NC_000023.11:g.(?_31657970)_(31968534_?)del

Genes: DMD (dystrophin; minus strand), LOC129391296 (MPRA-validated peak7373 silencer; plus strand). Cytogenetic location: Xp21.1.
Variant type: Deletion.
Identifiers: ClinVar variation 641556 (VCV000641556.8).

ClinVar aggregate classification (germline): Pathogenic (1 of 4 stars; one submission).

Conditions:
Duchenne muscular dystrophy (DMD). Also called: MUSCULAR DYSTROPHY, PSEUDOHYPERTROPHIC PROGRESSIVE, DUCHENNE TYPE; Duchenne Muscular Dystrophy (DMD). Identifiers: Orphanet 98896, MedGen C0013264, MONDO:0010679, OMIM 310200.

Submission:

Labcorp Genetics (formerly Invitae), Labcorp
Classification: Pathogenic for Duchenne muscular dystrophy. Last evaluated: 2023-07-19. Review status: criteria provided, single submitter. Criteria: Invitae Variant Classification Sherloc (09022015). Collection method: clinical testing. Allele origin: germline.
Comment: For these reasons, this variant has been classified as Pathogenic. A similar copy number variant has been observed in individuals with a DMD-related muscular dystrophy (PMID: 9800909, 11257468, 15723292, 22090376, 26911353). This variant is a gross deletion of the genomic region encompassing exon(s) 45-54 of the DMD gene. This deletion is out-of-frame, and is expected to create a premature termination codon and result in an absent or disrupted protein product. Loss-of-function variants in DMD are known to be pathogenic (PMID: 16770791, 25007885).

Literature cited by the submitters: PubMed 9800909; PubMed 11257468; PubMed 15723292; PubMed 22090376; PubMed 26911353; PubMed 16770791; PubMed 25007885.